The following is an entry in ClinVar:

ClinVar aggregate classification (germline): Uncertain significance (1 of 4 stars; one submission).

Conditions:
GJB3-related disorder. Also called: GJB3-related condition.

Submission:

PreventionGenetics, part of Exact Sciences
Classification: Uncertain significance for GJB3-related condition. Last evaluated: 2025-02-05. Review status: criteria provided, single submitter. Criteria: ACMG Guidelines, 2015. Collection method: clinical testing. Allele origin: germline.
Comment: The GJB3 c.499G>T variant is predicted to result in the amino acid substitution p.Val167Leu. To our knowledge, this variant has not been reported in the literature or in a large population database (gnomAD), indicating this variant is rare. At this time, the clinical significance of this variant is uncertain due to the absence of conclusive functional and genetic evidence.

NM_024009.3(GJB3):c.499G>T (p.Val167Leu)

Gene: GJB3 (gap junction protein beta 3; plus strand). Cytogenetic location: 1p34.3.
Variant type: single nucleotide variant.
Coding change: c.499G>T on transcript NM_024009.3 (MANE Select); coding-DNA position 499, G replaced by T.
Protein change: p.Val167Leu; replaces valine 167 with leucine.
Molecular consequence: missense variant.
Genome position (GRCh38, 1-based): chr1:34,785,261, G>T. VCF-style: chr1-34785261-G-T. GRCh37 (hg19) VCF-style: chr1-35250862-G-T.
Other names: c.499G>T, p.Val167Leu (NM_001005752.2); short protein forms V167L.
Identifiers: ClinVar variation 4984397 (VCV004984397.1).
Genomic context (GRCh38, chr1:34,785,261, plus strand): 5'-TACCTGCTGCACACTCTCTGGCATGGCTTCAATATGCCGCGCCTGGTGCAGTGTGCCAAC[G>T]TGGCCCCCTGCCCCAACATCGTGGACTGCTACATTGCCCGACCTACCGAGAAGAAAATCT-3'
Protein context (NP_076872.1, residues 157-177): NMPRLVQCAN[Val167Leu]APCPNIVDCY